The following is an entry in ClinVar:

ClinVar aggregate classification (germline): Uncertain significance. Review status: criteria provided, multiple submitters, no conflicts (2 of 4 stars). 6 submissions from 6 submitters: Uncertain significance (5). 1 of the submissions does not count toward it. Last evaluated 2026-02-05.

Conditions:
Walker-Warburg congenital muscular dystrophy. Also called: Muscular dystrophy-dystroglycanopathy, type A; Walker-Warburg syndrome. Identifiers: Orphanet 899, MedGen C0265221, MONDO:0000171.
Primary dilated cardiomyopathy (DCM). Also called: Dilated Cardiomyopathy. Identifiers: Orphanet 217604, MedGen C0007193, MeSH D002311, MONDO:0005021, HP:0001644. Inheritance: Various modes of inheritance.
Cardiovascular phenotype. Identifiers: MedGen CN230736.

Allele frequency attached by ClinVar (database versions not stated): gnomAD 0.00003 and 0.00004; ExAC 0.00005; gnomAD exomes 0.00005; TOPMed 0.00006; ESP Exome Variant Server 0.00008.
gnomAD v4.1: 70 of 1,613,872 alleles (0.0043%); highest among the groups gnomAD compares: Non-Finnish European, 0.0058%; no homozygotes.

Submissions (6):

GeneDx
Classification: Uncertain significance. Last evaluated: 2026-02-05. Review status: criteria provided, single submitter. Criteria: GeneDx Variant Classification Process June 2021. Collection method: clinical testing. Allele origin: germline.
Comment: Not observed at significant frequency in large population cohorts (gnomAD); In silico analysis suggests that this missense variant does not alter protein structure/function; Has not been previously published as pathogenic or benign to our knowledge

Petrovsky National Research Centre of Surgery, The Federal Agency for Scientific Organizations
Classification: Uncertain significance for Primary dilated cardiomyopathy. Last evaluated: 2026-01-28. Review status: criteria provided, single submitter. Criteria: ACMG Guidelines, 2015. Collection method: clinical testing. Allele origin: germline. Affected: yes. Observed: 1 variant allele.
Comment: The variant is in The Genome Aggregation Database (gnomAD) v4.1.0 with total 4.337e-05. (Date of access 2026-01-28). In accordance with ACMG (2015) criteria this variant is classified as Uncertain significance with following criteria selected: PM2.

Ambry Genetics
Classification: Uncertain significance for Cardiovascular phenotype. Last evaluated: 2025-06-20. Review status: criteria provided, single submitter. Criteria: Ambry Variant Classification Scheme 2023. Collection method: clinical testing. Allele origin: germline.
Comment: The p.V293L variant (also known as c.877G>C), located in coding exon 6 of the FKTN gene, results from a G to C substitution at nucleotide position 877. The valine at codon 293 is replaced by leucine, an amino acid with highly similar properties. This amino acid position is well conserved in available vertebrate species. In addition, the in silico prediction for this alteration is inconclusive. Since supporting evidence is limited at this time, the clinical significance of this alteration remains unclear.

Blueprint Genetics
Classification: Uncertain significance. Last evaluated: 2023-04-27. Review status: criteria provided, single submitter. Criteria: ACMG Guidelines, 2015. Collection method: clinical testing. Allele origin: germline.

Labcorp Genetics (formerly Invitae), Labcorp
Classification: Uncertain significance for Walker-Warburg congenital muscular dystrophy. Last evaluated: 2022-08-15. Review status: criteria provided, single submitter. Criteria: Invitae Variant Classification Sherloc (09022015). Collection method: clinical testing. Allele origin: germline.
Comment: This sequence change replaces valine, which is neutral and non-polar, with leucine, which is neutral and non-polar, at codon 293 of the FKTN protein (p.Val293Leu). This variant is present in population databases (rs146900302, gnomAD 0.009%). This variant has not been reported in the literature in individuals affected with FKTN-related conditions. ClinVar contains an entry for this variant (Variation ID: 583121). Algorithms developed to predict the effect of missense changes on protein structure and function are either unavailable or do not agree on the potential impact of this missense change (SIFT: "Deleterious"; PolyPhen-2: "Benign"; Align-GVGD: "Class C0"). In summary, the available evidence is currently insufficient to determine the role of this variant in disease. Therefore, it has been classified as a Variant of Uncertain Significance.

Natera, Inc.
Classification: Uncertain significance for Walker-Warburg congenital muscular dystrophy. Last evaluated: 2019-10-28. Review status: no assertion criteria provided. Collection method: clinical testing. Allele origin: germline. Not counted in ClinVar's aggregate classification.

NM_001079802.2(FKTN):c.877G>C (p.Val293Leu)

Gene: FKTN (fukutin; plus strand). Cytogenetic location: 9q31.2.
Variant type: single nucleotide variant.
Coding change: c.877G>C on transcript NM_001079802.2 (MANE Select); coding-DNA position 877, G replaced by C.
Protein change: p.Val293Leu; replaces valine 293 with leucine.
Molecular consequence: missense variant. On other transcripts: non-coding transcript variant (1).
Genome position (GRCh38, 1-based): chr9:105,615,374, G>C. VCF-style: chr9-105615374-G-C. GRCh37 (hg19) VCF-style: chr9-108377655-G-C.
Other names: c.877G>C, p.Val293Leu (NM_001198963.2, NM_001351496.2, NM_001351498.2 and 1 more transcripts); c.808G>C, p.Val270Leu (NM_001351497.2); c.481G>C, p.Val161Leu (NM_001351499.2, NM_001351500.2, NM_001351501.2 and 1 more transcripts); short protein forms V293L, V161L, V270L.
Identifiers: ClinVar variation 583121 (VCV000583121.17), dbSNP rs146900302, ClinGen allele CA5170511.
Genomic context (GRCh38, chr9:105,615,374, plus strand): 5'-TTTCGGAAGAGTGCAAAGGAATTACTGCAACTAGCAGCGAAAACATTAAACAAATTGGGA[G>C]TACCATTCTGGCTGAGCAGTGGAACTTGTCTAGGTAAAATTCTTACGACTTTCCATTTGT-3'
Protein context (NP_001073270.1, residues 283-303): LAAKTLNKLG[Val293Leu]PFWLSSGTCL